The following is an entry in ClinVar:

ClinVar aggregate classification (germline): Likely benign (1 of 4 stars; one submission).

Allele frequency attached by ClinVar (database versions not stated): ESP Exome Variant Server 0.00008; gnomAD exomes 0.00012 and 0.00017; ExAC 0.00015; TOPMed 0.00030; 1000 Genomes Project 0.00040; 1000 Genomes Project 30x 0.00047.
gnomAD v4.1: 219 of 1,607,764 alleles (0.014%); highest among the groups gnomAD compares: Admixed American, 0.12%; no homozygotes.

Submission:

GeneDx
Classification: Likely benign. Last evaluated: 2016-08-08. Review status: criteria provided, single submitter. Criteria: GeneDx Variant Classification (06012015). Collection method: clinical testing. Allele origin: germline. Affected: yes.
Comment: This variant is considered likely benign or benign based on one or more of the following criteria: it is a conservative change, it occurs at a poorly conserved position in the protein, it is predicted to be benign by multiple in silico algorithms, and/or has population frequency not consistent with disease.

NM_005465.7(AKT3):c.-43A>G

Gene: AKT3 (AKT serine/threonine kinase 3; minus strand). Cytogenetic location: 1q44.
Variant type: single nucleotide variant.
Coding change: c.-43A>G on transcript NM_005465.7 (MANE Select); 43 bases upstream of the start codon, A replaced by G.
Molecular consequence: 5 prime UTR variant.
Genome position (GRCh38, 1-based): chr1:243,843,213, T>C on the plus strand (A>G on the coding strand, the complement: AKT3 is on the minus strand). VCF-style: chr1-243843213-T-C. GRCh37 (hg19) VCF-style: chr1-244006515-T-C.
Other names: c.-43A>G (NM_001206729.2, NM_001370074.1, NM_181690.2).
Identifiers: ClinVar variation 388299 (VCV000388299.1), dbSNP rs199507358, ClinGen allele CA1484222.
Genomic context (GRCh38, chr1:243,843,213, plus strand): 5'-AATGGTAACATCGCTCATGATGACTCCCCTCTGAGCCCCCAACTTGGAGAAATGGTACTT[T>C]GTGATATCAGCTTTAGGGTTTGGATTCTCTGCTGCTGCTGCCCTTCCCACTCTCTAGTGA-3'